The following is an entry in ClinVar:

ClinVar aggregate classification (germline): Uncertain significance (1 of 4 stars; one submission).

Submission:

Labcorp Genetics (formerly Invitae), Labcorp
Classification: Uncertain significance. Last evaluated: 2024-04-22. Review status: criteria provided, single submitter. Criteria: Invitae Variant Classification Sherloc (09022015). Collection method: clinical testing. Allele origin: germline.
Comment: This sequence change replaces isoleucine, which is neutral and non-polar, with valine, which is neutral and non-polar, at codon 130 of the WNT1 protein (p.Ile130Val). This variant is not present in population databases (gnomAD no frequency). This variant has not been reported in the literature in individuals affected with WNT1-related conditions. Advanced modeling of protein sequence and biophysical properties (such as structural, functional, and spatial information, amino acid conservation, physicochemical variation, residue mobility, and thermodynamic stability) performed at Invitae indicates that this missense variant is not expected to disrupt WNT1 protein function with a negative predictive value of 80%. In summary, the available evidence is currently insufficient to determine the role of this variant in disease. Therefore, it has been classified as a Variant of Uncertain Significance.

NM_005430.4(WNT1):c.388A>G (p.Ile130Val)

Gene: WNT1 (Wnt family member 1; plus strand). Cytogenetic location: 12q13.12.
Variant type: single nucleotide variant.
Coding change: c.388A>G on transcript NM_005430.4 (MANE Select); coding-DNA position 388, A replaced by G.
Protein change: p.Ile130Val; replaces isoleucine 130 with valine.
Molecular consequence: missense variant.
Genome position (GRCh38, 1-based): chr12:48,980,453, A>G. VCF-style: chr12-48980453-A-G. GRCh37 (hg19) VCF-style: chr12-49374236-A-G.
Other names: short protein forms I130V.
Identifiers: ClinVar variation 3631606 (VCV003631606.2).